The following is an entry in ClinVar:

NM_000465.4(BARD1):c.888AGT[1] (p.Val298del)

Gene: BARD1 (BRCA1 associated RING domain 1; minus strand). Cytogenetic location: 2q35.
Variant type: Microsatellite.
Coding change: c.888AGT[1] on transcript NM_000465.4 (MANE Select); one copy of the 3-base unit AGT starting at c.888; the reference has two copies in a row; one copy, 3 bases deleted.
Protein change: p.Val298del; deletes valine 298.
Molecular consequence: inframe deletion. On other transcripts: non-coding transcript variant (2), intron variant (3).
Genome position (GRCh38, 1-based): chr2:214,780,981-214,780,983, ACT deleted on the plus strand (AGT on the coding strand, the reverse complement: BARD1 is on the minus strand); deleting any 3 consecutive bases within chr2:214,780,981-214,780,986 gives the same sequence; the position shown is the placement nearest the transcript's 3' end. VCF-style (leftmost placement, unchanged base first): chr2-214780980-CACT-C. GRCh37 (hg19) VCF-style: chr2-215645704-CACT-C.
Other names: c.831AGT[1], p.Val279del (NM_001282543.2); c.159-28428_159-28426del (NM_001282548.2); c.215+16078_215+16080del (NM_001282545.2); c.364+11314_364+11316del (NM_001282549.2); short protein forms V279del, V298del.
Identifiers: ClinVar variation 1025009 (VCV001025009.9), dbSNP rs1694983540, ClinGen allele CA1327071200.

ClinVar aggregate classification (germline): Uncertain significance (1 of 4 stars; one submission).

Conditions:
Familial cancer of breast. Also called: Hereditary breast cancer; BREAST CANCER, FAMILIAL; hereditary breast carcinoma. Identifiers: Orphanet 227535, MedGen C0346153, MONDO:0016419, OMIM 114480. Disease mechanism: loss of function.

Submission:

Labcorp Genetics (formerly Invitae), Labcorp
Classification: Uncertain significance for Familial cancer of breast. Last evaluated: 2020-07-24. Review status: criteria provided, single submitter. Criteria: Invitae Variant Classification Sherloc (09022015). Collection method: clinical testing. Allele origin: germline.
Comment: In summary, the available evidence is currently insufficient to determine the role of this variant in disease. Therefore, it has been classified as a Variant of Uncertain Significance. This variant, c.891_893del, results in the deletion of 1 amino acid(s) of the BARD1 protein (p.Val298del), but otherwise preserves the integrity of the reading frame. Experimental studies and prediction algorithms are not available or were not evaluated, and the functional significance of this variant is currently unknown. This variant has not been reported in the literature in individuals with BARD1-related conditions. This variant is not present in population databases (ExAC no frequency).